The following is an entry in ClinVar:

NM_020778.5(ALPK3):c.3861T>A (p.Asp1287Glu)

Gene: ALPK3 (alpha kinase 3; plus strand). Cytogenetic location: 15q25.3.
Variant type: single nucleotide variant.
Coding change: c.3861T>A on transcript NM_020778.5 (MANE Select); coding-DNA position 3861, T replaced by A.
Protein change: p.Asp1287Glu; replaces aspartic acid 1287 with glutamic acid.
Molecular consequence: missense variant.
Genome position (GRCh38, 1-based): chr15:84,859,286, T>A. VCF-style: chr15-84859286-T-A. GRCh37 (hg19) VCF-style: chr15-85402517-T-A.
Other names: short protein forms D1287E.
Identifiers: ClinVar variation 5036541 (VCV005036541.1).

ClinVar aggregate classification (germline): Uncertain significance (1 of 4 stars; one submission).

Conditions:
Cardiovascular phenotype. Identifiers: MedGen CN230736.

Submission:

Ambry Genetics
Classification: Uncertain significance for Cardiovascular phenotype. Last evaluated: 2026-07-31. Review status: criteria provided, single submitter. Criteria: Ambry Variant Classification Scheme 2023. Collection method: clinical testing. Allele origin: germline.
Comment: The p.D1489E variant (also known as c.4467T>A), located in coding exon 7 of the ALPK3 gene, results from a T to A substitution at nucleotide position 4467. The aspartic acid at codon 1489 is replaced by glutamic acid, an amino acid with highly similar properties. This amino acid position is conserved. In addition, this alteration is predicted to be tolerated by in silico analysis. Based on the available evidence, the clinical significance of this variant remains unclear.